The following is an entry in ClinVar:

ClinVar aggregate classification (germline): Pathogenic (1 of 4 stars; one submission).

Submission:

GeneDx
Classification: Pathogenic. Last evaluated: 2025-06-12. Review status: criteria provided, single submitter. Criteria: GeneDx Variant Classification Process June 2021. Collection method: clinical testing. Allele origin: germline. Affected: yes.
Comment: Nonsense variant predicted to result in protein truncation or nonsense mediated decay in a gene for which loss of function is a known mechanism of disease; Located in the A-band, a region of TTN for which truncating variants are significantly associated with autosomal dominant cardiomyopathy and also with autosomal recessive skeletal myopathies (PMID: 22335739, 32778822); Not observed at significant frequency in large population cohorts (gnomAD); Has not been previously published as pathogenic or benign to our knowledge; This variant is associated with the following publications: (PMID: 22335739, 32778822)

NM_001267550.2(TTN):c.73184dup (p.Tyr24395Ter)

Genes: TTN (titin; minus strand), TTN-AS1 (TTN antisense RNA 1; plus strand). Cytogenetic location: 2q31.2.
Variant type: Duplication.
Coding change: c.73184dup on transcript NM_001267550.2 (MANE Select); coding-DNA position 73184, one base duplicated (A; older notation c.73184dupA).
Protein change: p.Tyr24395Ter; replaces tyrosine 24395 with a stop codon.
Molecular consequence: nonsense.
Genome position (GRCh38, 1-based): chr2:178,572,948, T duplicated on the plus strand (A on the coding strand, the reverse complement: TTN is on the minus strand). VCF-style (leftmost placement, unchanged base first): chr2-178572947-A-AT. GRCh37 (hg19) VCF-style: chr2-179437674-A-AT.
Other names: c.68261dup, p.Tyr22754Ter (NM_001256850.1); c.45989dup, p.Tyr15330Ter (NM_003319.4); c.65480dup, p.Tyr21827Ter (NM_133378.4); c.46364dup, p.Tyr15455Ter (NM_133432.3); c.46565dup, p.Tyr15522Ter (NM_133437.4); c.68261dupA (NM_001256850.1); c.73184dup (NM_001267550.1); short protein forms Y15455*, Y15522*, Y22754*, Y24395*, Y15330*, Y21827*.
Identifiers: ClinVar variation 418892 (VCV000418892.2), dbSNP rs1553607935, ClinGen allele CA16617354.
Genomic context (GRCh38, chr2:178,572,947, plus strand): 5'-TCCAGGAACAAGGGCAGGTTCCCCAAGTCCTTCGGAATTCATGGCATAGATGCGGATCTT[A>AT]TATTCCTGATTCTCTGTGAGGCCAGTGATAGTATACGAAGTTGCCTTGAGTCCTGCTGGT-3'